The following is an entry in ClinVar:

NM_001365088.1(SLC12A6):c.1519G>T (p.Gly507Ter)

Gene: SLC12A6 (solute carrier family 12 member 6; minus strand). Cytogenetic location: 15q14.
Variant type: single nucleotide variant.
Coding change: c.1519G>T on transcript NM_001365088.1 (MANE Select); coding-DNA position 1519, G replaced by T.
Protein change: p.Gly507Ter; replaces glycine 507 with a stop codon.
Molecular consequence: nonsense.
Genome position (GRCh38, 1-based): chr15:34,250,703, C>A on the plus strand (G>T on the coding strand, the complement: SLC12A6 is on the minus strand). VCF-style: chr15-34250703-C-A. GRCh37 (hg19) VCF-style: chr15-34542904-C-A.
Other names: c.1342G>T, p.Gly448Ter (NM_001042494.2, NM_001042495.2); c.1492G>T, p.Gly498Ter (NM_001042496.2); c.1474G>T, p.Gly492Ter (NM_001042497.2); c.1366G>T, p.Gly456Ter (NM_005135.2); c.1519G>T, p.Gly507Ter (NM_133647.2); short protein forms G448*, G456*, G492*, G498*, G507*.
Identifiers: ClinVar variation 1724994 (VCV001724994.2), dbSNP rs2509802682, ClinGen allele CA391605928.

ClinVar aggregate classification (germline): Likely pathogenic (1 of 4 stars; one submission).

Conditions:
Agenesis of the corpus callosum with peripheral neuropathy (ACCPN). Also called: CHARLEVOIX DISEASE; POLYNEUROPATHY, SENSORIMOTOR, WITH OR WITHOUT AGENESIS OF THE CORPUS CALLOSUM; HMSN/ACC; Hereditary Motor and Sensory Neuropathy with Agenesis of the Corpus Callosum. Identifiers: Orphanet 1496, MedGen C0795950, MONDO:0000902, OMIM 218000. Disease mechanism: loss of function.

Submission:

Myriad Genetics, Inc.
Classification: Likely pathogenic for Agenesis of the corpus callosum with peripheral neuropathy. Last evaluated: 2022-03-04. Review status: criteria provided, single submitter. Criteria: Myriad Women's Health Autosomal Recessive and X-Linked Classification Criteria (2021). Collection method: clinical testing. Allele origin: unknown.
Comment: NM_133647.1(SLC12A6):c.1519G>T(G507*) is expected to be pathogenic in the context of Andermann syndrome. This variant is predicted to lead to an abnormal or absent protein product due to the creation of a premature termination codon in SLC12A6, a gene where loss-of-function variants are known to be pathogenic. Please note: this variant was assessed in the context of healthy population screening.